The following is an entry in ClinVar:

ClinVar aggregate classification (germline): Uncertain significance. Review status: criteria provided, multiple submitters, no conflicts (2 of 4 stars). 4 submissions from 4 submitters: Uncertain significance (4). Last evaluated 2025-04-04.

Conditions:
Inborn genetic diseases. Identifiers: MedGen C0950123, MeSH D030342.

Allele frequency attached by ClinVar (database versions not stated): gnomAD 0.00003; TOPMed 0.00003; gnomAD exomes 0.00005 and 0.00006; ExAC 0.00009.
gnomAD v4.1: 79 of 1,606,850 alleles (0.0049%); highest among the groups gnomAD compares: South Asian, 0.025%; no homozygotes.

Submissions (4):

Ambry Genetics
Classification: Uncertain significance for Inborn genetic diseases. Last evaluated: 2025-04-04. Review status: criteria provided, single submitter. Criteria: Ambry Variant Classification Scheme 2023. Collection method: clinical testing. Allele origin: germline.

Blueprint Genetics
Classification: Uncertain significance. Last evaluated: 2024-04-08. Review status: criteria provided, single submitter. Criteria: ACMG Guidelines, 2015. Collection method: clinical testing. Allele origin: germline.

Labcorp Genetics (formerly Invitae), Labcorp
Classification: Uncertain significance. Last evaluated: 2022-10-13. Review status: criteria provided, single submitter. Criteria: Invitae Variant Classification Sherloc (09022015). Collection method: clinical testing. Allele origin: germline.
Comment: This sequence change replaces valine, which is neutral and non-polar, with methionine, which is neutral and non-polar, at codon 643 of the TRAF3IP1 protein (p.Val643Met). This variant is present in population databases (rs199907968, gnomAD 0.03%). This variant has not been reported in the literature in individuals affected with TRAF3IP1-related conditions. ClinVar contains an entry for this variant (Variation ID: 952126). Advanced modeling of protein sequence and biophysical properties (such as structural, functional, and spatial information, amino acid conservation, physicochemical variation, residue mobility, and thermodynamic stability) performed at Invitae indicates that this missense variant is expected to disrupt TRAF3IP1 protein function. In summary, the available evidence is currently insufficient to determine the role of this variant in disease. Therefore, it has been classified as a Variant of Uncertain Significance.

Breakthrough Genomics
Classification: Uncertain significance. Review status: criteria provided, single submitter. Criteria: ACMG Guidelines, 2015. Collection method: not provided. Allele origin: germline. Inheritance: Autosomal recessive inheritance. Affected: yes.

NM_015650.4(IFT54):c.1927G>A (p.Val643Met)

Gene: IFT54 (intraflagellar transport 54; plus strand). Cytogenetic location: 2q37.3.
Variant type: single nucleotide variant.
Coding change: c.1927G>A on transcript NM_015650.4 (MANE Select); coding-DNA position 1927, G replaced by A.
Protein change: p.Val643Met; replaces valine 643 with methionine.
Molecular consequence: missense variant.
Genome position (GRCh38, 1-based): chr2:238,398,770, G>A. VCF-style: chr2-238398770-G-A. GRCh37 (hg19) VCF-style: chr2-239307411-G-A.
Other names: c.1729G>A, p.Val577Met (NM_001139490.1); short protein forms V577M, V643M.
Identifiers: ClinVar variation 952126 (VCV000952126.10), dbSNP rs199907968, ClinGen allele CA2198624.